The following is an entry in ClinVar:

ClinVar aggregate classification (germline): Uncertain significance (1 of 4 stars; one submission).

Conditions:
Hereditary cancer-predisposing syndrome. Also called: Neoplastic Syndromes, Hereditary; Tumor predisposition; Hereditary Cancer Syndrome; Hereditary neoplastic syndrome. Identifiers: Orphanet 140162, MedGen C0027672, MeSH D009386, MONDO:0015356.

Submission:

Ambry Genetics
Classification: Uncertain significance for Hereditary cancer-predisposing syndrome. Last evaluated: 2024-11-17. Review status: criteria provided, single submitter. Criteria: Ambry Variant Classification Scheme 2023. Collection method: clinical testing. Allele origin: germline.
Comment: The p.K279R variant (also known as c.836A>G), located in coding exon 8 of the RB1 gene, results from an A to G substitution at nucleotide position 836. The lysine at codon 279 is replaced by arginine, an amino acid with highly similar properties. This amino acid position is conserved. In addition, the in silico prediction for this alteration is inconclusive. Based on the available evidence, the clinical significance of this variant remains unclear.

NM_000321.3(RB1):c.836A>G (p.Lys279Arg)

Gene: RB1 (RB transcriptional corepressor 1; plus strand). Cytogenetic location: 13q14.2.
Variant type: single nucleotide variant.
Coding change: c.836A>G on transcript NM_000321.3 (MANE Select); coding-DNA position 836, A replaced by G.
Protein change: p.Lys279Arg; replaces lysine 279 with arginine.
Molecular consequence: missense variant.
Genome position (GRCh38, 1-based): chr13:48,362,932, A>G. VCF-style: chr13-48362932-A-G. GRCh37 (hg19) VCF-style: chr13-48937068-A-G.
Other names: c.836A>G, p.Lys279Arg (NM_001407165.1, NM_001407166.1); short protein forms K279R.
Identifiers: ClinVar variation 3430924 (VCV003430924.1).
Genomic context (GRCh38, chr13:48,362,932, plus strand): 5'-GGAGTGCACGGATAGCAAAACAACTAGAAAATGATACAAGAATTATTGAAGTTCTCTGTA[A>G]AGAACATGAATGTAATATAGATGAGGTAATTTAACTTCATGATTTCTTTAAAACAGTTAA-3'
Protein context (NP_000312.2, residues 269-289): NDTRIIEVLC[Lys279Arg]EHECNIDEVK